The following is an entry in ClinVar:

ClinVar aggregate classification (germline): Pathogenic/Likely pathogenic. Review status: criteria provided, multiple submitters, no conflicts (2 of 4 stars). 3 submissions from 3 submitters: Pathogenic (1); Likely pathogenic (1). 1 of the submissions does not count toward it. Last evaluated 2026-02-12.

Conditions:
DTYMK-related disorders.
Neurodegeneration, childhood-onset, with progressive microcephaly (CONPM). Identifiers: MedGen C5676972, MONDO:0859241, OMIM 619847.

Allele frequency attached by ClinVar (database versions not stated): gnomAD 0.00001; gnomAD exomes 0.00001.
gnomAD v4.1: 10 of 1,613,642 alleles (0.00062%); highest among the groups gnomAD compares: Non-Finnish European, 0.00085%; no homozygotes.

Submissions (3):

Women's Health and Genetics/Laboratory Corporation of America, LabCorp
Classification: Likely pathogenic for Neurodegeneration, childhood-onset, with progressive microcephaly. Last evaluated: 2026-02-12. Review status: criteria provided, single submitter. Criteria: LabCorp Variant Classification Summary - May 2015. Collection method: clinical testing. Allele origin: germline.
Comment: Variant summary: DTYMK c.242C>T (p.Pro81Leu) results in a non-conservative amino acid change in the encoded protein sequence. Algorithms developed to predict the effect of missense changes on protein structure and function are either unavailable or do not agree on the potential impact of this missense change. Consensus agreement among computation tools predict no significant impact on normal splicing. However, these predictions have yet to be confirmed by functional studies. The variant was absent in 251396 control chromosomes (gnomAD). c.242C>T has been observed in two individuals with clinical features of Neurodegeneration, Childhood-Onset, With Progressive Microcephaly in two unrelative families (Vanoevelen_2022). These data indicate that the variant may be associated with disease. At least one publication reports experimental evidence evaluating an impact on protein function. The most pronounced variant effect results in <10% of normal activity (Frisk_2021). The following publications have been ascertained in the context of this evaluation (PMID: 34926941, 34918187). ClinVar contains an entry for this variant (Variation ID: 1686905). Based on the evidence outlined above, the variant was classified as likely pathogenic.

Blueprint Genetics
Classification: Pathogenic for DTYMK-related disorders. Last evaluated: 2024-04-23. Review status: criteria provided, single submitter. Criteria: ACMG Guidelines, 2015. Collection method: clinical testing. Allele origin: germline. Affected: yes. Observed: 3 variant alleles.

OMIM
Classification: Pathogenic for NEURODEGENERATION, CHILDHOOD-ONSET, WITH PROGRESSIVE MICROCEPHALY. Last evaluated: 2022-10-06. Review status: no assertion criteria provided. Collection method: literature only. Allele origin: germline. Not counted in ClinVar's aggregate classification.

Literature cited by the submitters: PubMed 34926941 (cited by Women's Health and Genetics/Laboratory Corporation of America, LabCorp and OMIM); PubMed 34918187 (cited by Women's Health and Genetics/Laboratory Corporation of America, LabCorp and OMIM).

NM_012145.4(DTYMK):c.242C>T (p.Pro81Leu)

Gene: DTYMK (deoxythymidylate kinase; minus strand). Cytogenetic location: 2q37.3.
Variant type: single nucleotide variant.
Coding change: c.242C>T on transcript NM_012145.4 (MANE Select); coding-DNA position 242, C replaced by T.
Protein change: p.Pro81Leu; replaces proline 81 with leucine.
Molecular consequence: missense variant. On other transcripts: non-coding transcript variant (1), intron variant (3).
Genome position (GRCh38, 1-based): chr2:241,680,317, G>A on the plus strand (C>T on the coding strand, the complement: DTYMK is on the minus strand). VCF-style: chr2-241680317-G-A. GRCh37 (hg19) VCF-style: chr2-242619732-G-A.
Other names: DTYMK, PRO81LEU (rs1267106442); c.242C>T, p.Pro81Leu (NM_001165031.2); c.359C>T, p.Pro120Leu (NM_001320905.2); c.202-1668C>T (NM_001320902.2); c.240-1740C>T (NM_001320903.2); c.274-1668C>T (NM_001320904.2); short protein forms P81L, P120L.
Identifiers: ClinVar variation 1686905 (VCV001686905.4), dbSNP rs1267106442, ClinGen allele CA351410935.
Genomic context (GRCh38, chr2:241,680,317, plus strand): 5'-GAAAATGCGTATCTGTCCACGACGAGGGTCACGCCCTGGCTCAACTTTTCCTTAATTAAC[G>A]GCCTGAAAAAGAGGATGCTCCTGAGCCCTGGTCCTGTTTCATAGGCCTTGAACTGTCAAG-3'
Protein context (NP_036277.2, residues 71-91): LFSANRWEQV[Pro81Leu]LIKEKLSQGV